The following is an entry in ClinVar:

NM_012452.3(TNFRSF13B):c.493_497dup (p.Leu167fs)

Gene: TNFRSF13B (TNF receptor superfamily member 13B; minus strand). Cytogenetic location: 17p11.2.
Variant type: Duplication.
Coding change: c.493_497dup on transcript NM_012452.3 (MANE Select); coding-DNA positions 493 to 497, 5 bases duplicated (AGCAC; older notation c.493_497dupAGCAC).
Protein change: p.Leu167fs; shifts the reading frame from leucine 167.
Molecular consequence: frameshift variant.
Genome position (GRCh38, 1-based): chr17:16,940,460-16,940,464, GTGCT duplicated on the plus strand (AGCAC on the coding strand, the reverse complement: TNFRSF13B is on the minus strand); duplicating any 5 consecutive bases within chr17:16,940,460-16,940,466 gives the same sequence; the c. name uses the placement nearest the transcript's 3' end. VCF-style (leftmost placement, unchanged base first): chr17-16940459-C-CGTGCT. GRCh37 (hg19) VCF-style: chr17-16843773-C-CGTGCT.
Other names: short protein forms L167fs.
Identifiers: ClinVar variation 3687684 (VCV003687684.2).

ClinVar aggregate classification (germline): Pathogenic (1 of 4 stars; one submission).

Conditions:
Immunodeficiency, common variable, 2 (CVID2). Also called: ANTIBODY DEFICIENCY DUE TO TACI DEFECT; HYPOGAMMAGLOBULINEMIA DUE TO TACI DEFICIENCY. Identifiers: Orphanet 1572, MedGen C3150354, MONDO:0009413, OMIM 240500.

Submission:

Labcorp Genetics (formerly Invitae), Labcorp
Classification: Pathogenic for Immunodeficiency, common variable, 2. Last evaluated: 2025-01-15. Review status: criteria provided, single submitter. Criteria: Invitae Variant Classification Sherloc (09022015). Collection method: clinical testing. Allele origin: germline.
Comment: This sequence change creates a premature translational stop signal (p.Leu167Alafs*56) in the TNFRSF13B gene. While this is not anticipated to result in nonsense mediated decay, it is expected to disrupt the last 127 amino acid(s) of the TNFRSF13B protein. This variant is not present in population databases (gnomAD no frequency). This variant has not been reported in the literature in individuals affected with TNFRSF13B-related conditions. This variant disrupts a region of the TNFRSF13B protein in which other variant(s) (p.Ala181Glu) have been determined to be pathogenic (PMID: 16007086, 16007087, 20156508). This suggests that this is a clinically significant region of the protein, and that variants that disrupt it are likely to be disease-causing. For these reasons, this variant has been classified as Pathogenic.

Literature cited by the submitters: PubMed 16007086; PubMed 16007087; PubMed 20156508.